The following is an entry in ClinVar:

NM_001164277.2(SLC37A4):c.636G>C (p.Lys212Asn)

Gene: SLC37A4 (solute carrier family 37 member 4; minus strand). Cytogenetic location: 11q23.3.
Variant type: single nucleotide variant.
Coding change: c.636G>C on transcript NM_001164277.2 (MANE Select); coding-DNA position 636, G replaced by C.
Protein change: p.Lys212Asn; replaces lysine 212 with asparagine.
Molecular consequence: missense variant.
Genome position (GRCh38, 1-based): chr11:119,027,085, C>G on the plus strand (G>C on the coding strand, the complement: SLC37A4 is on the minus strand). VCF-style: chr11-119027085-C-G. GRCh37 (hg19) VCF-style: chr11-118897795-C-G.
Other names: c.636G>C, p.Lys212Asn (NM_001164278.2, NM_001164280.2, NM_001467.6); c.417G>C, p.Lys139Asn (NM_001164279.2); short protein forms K212N, K139N.
Identifiers: ClinVar variation 3637337 (VCV003637337.2).
Genomic context (GRCh38, chr11:119,027,085, plus strand): 5'-ACCAGTGGAGAGCACCCACAGGTAAGGGGACAGCAGCAGCTCCTGCAGGGTGCTCTCCTC[C>G]TTCAAGGAGCCTGGAGGTGGGAAAAGGCTGGGCGTCAGGCTCTGCCCTGACTGCTCTCCC-3'
Protein context (NP_001157749.1, residues 202-222): MPSEGKKGSL[Lys212Asn]EESTLQELLL

ClinVar aggregate classification (germline): Uncertain significance (1 of 4 stars; one submission).

Conditions:
Glucose-6-phosphate transport defect (GSD1B). Also called: Glycogen Storage Disease Type Ib; GSD Ib. Identifiers: Orphanet 364, Orphanet 79259, MedGen C0268146, MONDO:0009288, OMIM 232220.

Submission:

Labcorp Genetics (formerly Invitae), Labcorp
Classification: Uncertain significance for Glucose-6-phosphate transport defect. Last evaluated: 2024-11-27. Review status: criteria provided, single submitter. Criteria: Invitae Variant Classification Sherloc (09022015). Collection method: clinical testing. Allele origin: germline.
Comment: This sequence change replaces lysine, which is basic and polar, with asparagine, which is neutral and polar, at codon 212 of the SLC37A4 protein (p.Lys212Asn). This variant is present in population databases (no rsID available, gnomAD no frequency). This variant has not been reported in the literature in individuals affected with SLC37A4-related conditions. Invitae Evidence Modeling of protein sequence and biophysical properties (such as structural, functional, and spatial information, amino acid conservation, physicochemical variation, residue mobility, and thermodynamic stability) indicates that this missense variant is not expected to disrupt SLC37A4 protein function with a negative predictive value of 80%. In summary, the available evidence is currently insufficient to determine the role of this variant in disease. Therefore, it has been classified as a Variant of Uncertain Significance.